The following is an entry in ClinVar:

ClinVar aggregate classification (germline): Likely pathogenic. Review status: criteria provided, multiple submitters, no conflicts (2 of 4 stars). 2 submissions from 2 submitters: Likely pathogenic (2). Last evaluated 2025-02-20.

Conditions:
El Hayek-Chahrour neurodevelopmental disorder. Also called: EL HAYEK-CHAHROUR NEURODEVELOPMENTAL SYNDROME; NEURODEVELOPMENTAL DISORDER WITH ABSENT SPEECH, IMPAIRED INTELLECTUAL DEVELOPMENT, AND AUTISM. Identifiers: MedGen C5935620, MONDO:0970951, OMIM 620820.

gnomAD v4.1: 25 of 1,613,138 alleles (0.0015%); highest among the groups gnomAD compares: Non-Finnish European, 0.0019%; no homozygotes.

Submissions (3):

Labcorp Genetics (formerly Invitae), Labcorp
Classification: Likely pathogenic. Last evaluated: 2025-02-20. Review status: criteria provided, single submitter. Criteria: Invitae Variant Classification Sherloc (09022015). Collection method: clinical testing. Allele origin: germline.
Comment: This sequence change affects a donor splice site in intron 24 of the KDM5A gene. It is expected to disrupt RNA splicing. Variants that disrupt the donor or acceptor splice site typically lead to a loss of protein function (PMID: 16199547), and loss-of-function variants in KDM5A are known to be pathogenic (PMID: 33350388). This variant is present in population databases (rs781530646, gnomAD 0.0009%). This variant has not been reported in the literature in individuals affected with KDM5A-related conditions. ClinVar contains an entry for this variant (Variation ID: 3375408). Algorithms developed to predict the effect of sequence changes on RNA splicing suggest that this variant may disrupt the consensus splice site. In summary, the currently available evidence indicates that the variant is pathogenic, but additional data are needed to prove that conclusively. Therefore, this variant has been classified as Likely Pathogenic.

Women's Health and Genetics/Laboratory Corporation of America, LabCorp
Classification: Likely pathogenic for El Hayek-Chahrour neurodevelopmental disorder. Last evaluated: 2024-09-18. Review status: criteria provided, single submitter. Criteria: LabCorp Variant Classification Summary - May 2015. Collection method: clinical testing. Allele origin: germline.
Comment: Variant summary: KDM5A c.4074+1G>A is located in a canonical splice-site and is predicted to affect mRNA splicing resulting in a significantly altered protein due to either exon skipping, shortening, or inclusion of intronic material. Variants that disrupt the consensus splice site are a relatively common cause of aberrant splicing and loss of KDM5A function. Several computational tools predict a significant impact on normal splicing: Four predict the variant abolishes a 5' splicing donor site. However, these predictions have yet to be confirmed by functional studies. The variant allele was found at a frequency of 1.2e-05 in 249442 control chromosomes. To our knowledge, no occurrence of c.4074+1G>A in individuals affected with El Hayek-Chahrour Neurodevelopmental Syndrome and no experimental evidence demonstrating its impact on protein function have been reported. No submitters have cited clinical-significance assessments for this variant to ClinVar. Based on the evidence outlined above, the variant was classified as likely pathogenic.

Dr. Peter K. Rogan Lab, Western University
No classification provided (evidence only). Condition: Clear cell carcinoma of kidney. Review status: no classification provided. Collection method: in vitro. Allele origin: not applicable. Functional consequence: retained intron. Not counted in ClinVar's aggregate classification.

Literature cited by the submitters: PubMed 16199547 (cited by Labcorp Genetics (formerly Invitae), Labcorp); PubMed 33350388 (cited by Labcorp Genetics (formerly Invitae), Labcorp).

NM_001042603.3(KDM5A):c.4074+1G>A

Genes: KDM5A (lysine demethylase 5A; minus strand), LOC126861410 (BRD4-independent group 4 enhancer GRCh37_chr12:415875-417074; plus strand). Cytogenetic location: 12p13.33.
Variant type: single nucleotide variant.
Coding change: c.4074+1G>A on transcript NM_001042603.3 (MANE Select); the canonical splice donor site of the intron after coding-DNA position 4074, G replaced by A.
Molecular consequence: splice donor variant.
Genome position (GRCh38, 1-based): chr12:306,945, C>T on the plus strand (G>A on the coding strand, the complement: KDM5A is on the minus strand). VCF-style: chr12-306945-C-T. GRCh37 (hg19) VCF-style: chr12-416111-C-T.
Other names: NC_000012.11:g.416111C>T.
Identifiers: ClinVar variation 3375408 (VCV003375408.3).